The following is an entry in ClinVar:

ClinVar aggregate classification (germline): Likely benign. Review status: criteria provided, multiple submitters, no conflicts (2 of 4 stars). 4 submissions from 4 submitters: Likely benign (3). 1 of the submissions does not count toward it. Last evaluated 2024-11-26.

Conditions:
TTC7A-related disorder. Also called: TTC7A-related condition.

Allele frequency attached by ClinVar (database versions not stated): 1000 Genomes Project 30x 0.02139; TOPMed 0.03256; 1000 Genomes Project 0.01957; ExAC 0.02868.
gnomAD v4.1: 25,068 of 699,252 alleles (3.6%); highest among the groups gnomAD compares: Non-Finnish European, 4.7%; 578 homozygotes.

Submissions (4):

Blueprint Genetics
Classification: Likely benign. Last evaluated: 2024-11-26. Review status: criteria provided, single submitter. Criteria: ACMG Guidelines, 2015. Collection method: clinical testing. Allele origin: germline.

GeneDx
Classification: Likely benign. Last evaluated: 2018-07-10. Review status: criteria provided, single submitter. Criteria: GeneDx Variant Classification Process June 2021. Collection method: clinical testing. Allele origin: germline. Affected: yes.

Breakthrough Genomics
Classification: Likely benign. Review status: criteria provided, single submitter. Criteria: ACMG Guidelines, 2015. Collection method: not provided. Allele origin: germline. Inheritance: Unknown mechanism. Affected: yes.

PreventionGenetics, part of Exact Sciences
Classification: Benign for TTC7A-related condition. Last evaluated: 2019-03-06. Review status: no assertion criteria provided. Collection method: clinical testing. Allele origin: germline. Not counted in ClinVar's aggregate classification.
Comment: This variant is classified as benign based on ACMG/AMP sequence variant interpretation guidelines (Richards et al. 2015 PMID: 25741868, with internal and published modifications).

NM_001288953.2(TTC7A):c.60C>G (p.Leu20=)

Genes: MCFD2 (multiple coagulation factor deficiency 2, ER cargo receptor complex subunit; minus strand), TTC7A (tetratricopeptide repeat domain 7A; plus strand). Cytogenetic location: 2p21.
Variant type: single nucleotide variant.
Coding change: c.60C>G on transcript NM_001288953.2; coding-DNA position 60, C replaced by G.
Protein change: p.Leu20=; no amino-acid change (leucine 20 retained).
Molecular consequence: synonymous variant. On other transcripts: intron variant (2).
Genome position (GRCh38, 1-based): chr2:46,917,255, C>G. VCF-style: chr2-46917255-C-G. GRCh37 (hg19) VCF-style: chr2-47144394-C-G.
Other names: c.-6-8078G>C (NM_001171508.2); c.93-9286G>C (NM_001171511.3).
Identifiers: ClinVar variation 1209045 (VCV001209045.9), dbSNP rs76192704, ClinGen allele CA1647007.
Genomic context (GRCh38, chr2:46,917,255, plus strand): 5'-CATGGTGCCCAGCTCGTCTCGAACTCCTGGGTTCAAGCAATCCTCCCACCACCTCCGCCT[C>G]CCAAAGTGCTGGGATTACAGGGGTGAGCCACCGCGCCGGGACAAAGAATCCCTAAGTTTT-3'